The following is an entry in ClinVar:

ClinVar aggregate classification (germline): Uncertain significance (1 of 4 stars; one submission).

Conditions:
Developmental and epileptic encephalopathy 93. Also called: EPILEPTIC ENCEPHALOPATHY, INFANTILE OR EARLY CHILDHOOD, 3. Identifiers: MedGen C4693934, MONDO:0020632, OMIM 618012.

Submission:

Dasa
Classification: Uncertain significance for Developmental and epileptic encephalopathy 93. Last evaluated: 2026-02-26. Review status: criteria provided, single submitter. Criteria: DASA Assertion Criteria. Collection method: clinical testing. Allele origin: germline.
Comment: NM_001690.4(ATP6V1A):c.740C>T (p.Ala247Val) is a missense variant that results in the substitution of alanine with valine. This variant is rare in population databases. Computational prediction algorithms are consistent with a deleterious effect. The currently available literature and clinical evidence are not sufficient to establish a definitive association between this variant and the reported condition. Therefore, this variant is classified as a variant of uncertain significance.

NM_001690.4(ATP6V1A):c.740C>T (p.Ala247Val)

Gene: ATP6V1A (ATPase H+ transporting V1 subunit A; plus strand). Cytogenetic location: 3q13.31.
Variant type: single nucleotide variant.
Coding change: c.740C>T on transcript NM_001690.4 (MANE Select); coding-DNA position 740, C replaced by T.
Protein change: p.Ala247Val; replaces alanine 247 with valine.
Molecular consequence: missense variant.
Genome position (GRCh38, 1-based): chr3:113,788,736, C>T. VCF-style: chr3-113788736-C-T. GRCh37 (hg19) VCF-style: chr3-113507583-C-T.
Other names: short protein forms A247V.
Identifiers: ClinVar variation 4882129 (VCV004882129.2).